The following is an entry in ClinVar:

ClinVar aggregate classification (germline): Likely benign (1 of 4 stars; one submission).

Submission:

CeGaT Center for Human Genetics Tuebingen
Classification: Likely benign. Last evaluated: 2025-04-01. Review status: criteria provided, single submitter. Criteria: CeGaT Center For Human Genetics Tuebingen Variant Classification Criteria Version 2. Collection method: clinical testing. Allele origin: germline. Affected: yes. Observed: 1 variant allele.
Comment: MUC4: BP4, BP7

NM_018406.7(MUC4):c.3087C>T (p.Asp1029=)

Gene: MUC4 (mucin 4, cell surface associated). Cytogenetic location: 3q29.
Variant type: single nucleotide variant.
Coding change: c.3087C>T on transcript NM_018406.7 (MANE Select); coding-DNA position 3087, C replaced by T.
Protein change: p.Asp1029=; no amino-acid change (aspartic acid 1029 retained).
Molecular consequence: synonymous variant. On other transcripts: intron variant (2).
Genome position (GRCh38, 1-based): chr3:195,788,493, G>A on the plus strand (C>T on the coding strand, the complement: MUC4 is on the minus strand). VCF-style: chr3-195788493-G-A. GRCh37 (hg19) VCF-style: chr3-195515364-G-A.
Other names: c.83-14188C>T (NM_138297.5); c.83-10038C>T (NM_004532.6).
Identifiers: ClinVar variation 3898257 (VCV003898257.7).
Genomic context (GRCh38, chr3:195,788,493, plus strand): 5'-TGCTGAGGAAAAGCTGGTGACAGGAAGAGGGGTGACGTGACCTGTGGATTCTGAGGAAGT[G>A]TCGGTGACAGGAAGAGGGGTGGTGTGACCTGTGGATACTGAGGAAGGGCTGGTGACAGGA-3'
Protein context (NP_060876.5, residues 1019-1039): TGHTTPLPVT[Asp1029=]TSSESTGHVT